The following is an entry in ClinVar:

NM_006593.4(TBR1):c.813G>T (p.Trp271Cys)

Gene: TBR1 (T-box brain transcription factor 1; plus strand). Cytogenetic location: 2q24.2.
Variant type: single nucleotide variant.
Coding change: c.813G>T on transcript NM_006593.4 (MANE Select); coding-DNA position 813, G replaced by T.
Protein change: p.Trp271Cys; replaces tryptophan 271 with cysteine.
Molecular consequence: missense variant.
Genome position (GRCh38, 1-based): chr2:161,417,796, G>T. VCF-style: chr2-161417796-G-T. GRCh37 (hg19) VCF-style: chr2-162274307-G-T.
Other names: c.813G>T (NM_006593.2); short protein forms W271C.
Identifiers: ClinVar variation 599052 (VCV000599052.3), dbSNP rs1559060428, ClinGen allele CA349212269.

ClinVar aggregate classification (germline): Pathogenic. Review status: criteria provided, single submitter (1 of 4 stars). 2 submissions from 2 submitters: Pathogenic (1). 1 of the submissions does not count toward it. Last evaluated 2026-03-25.

Conditions:
Intellectual developmental disorder with autism and speech delay. Also called: Autism, susceptibility to, 5; Autism 5; AUTISM-RELATED SPEECH DELAY; AUTS5; PHRASE SPEECH DELAY, AUTISM-RELATED. Identifiers: MedGen C1853755, MONDO:0011627, OMIM 606053.

Submissions (2):

GeneDx
Classification: Pathogenic. Last evaluated: 2026-03-25. Review status: criteria provided, single submitter. Criteria: GeneDx Variant Classification Process June 2021. Collection method: clinical testing. Allele origin: germline.
Comment: Published functional studies suggest a damaging effect on protein function (PMID: 30250039, 36579832); In silico analysis supports that this missense variant has a deleterious effect on protein structure/function; Not observed at significant frequency in large population cohorts (gnomAD); This variant is associated with the following publications: (PMID: 31332282, 28714951, 31981491, 35982160, 35982159, 25418537, 28191890, 36579832, 25363760, 27824329, 30250039)

OMIM
Classification: Pathogenic for INTELLECTUAL DEVELOPMENTAL DISORDER WITH AUTISM AND SPEECH DELAY. Last evaluated: 2019-01-02. Review status: no assertion criteria provided. Collection method: literature only. Allele origin: germline. Not counted in ClinVar's aggregate classification.

Literature cited by the submitters: PubMed 30250039 (cited by OMIM).